The following is an entry in ClinVar:

NM_001378457.1(DMXL2):c.8183A>T (p.Asp2728Val)

Gene: DMXL2 (Dmx like 2; minus strand). Cytogenetic location: 15q21.2.
Variant type: single nucleotide variant.
Coding change: c.8183A>T on transcript NM_001378457.1 (MANE Select); coding-DNA position 8183, A replaced by T.
Protein change: p.Asp2728Val; replaces aspartic acid 2728 with valine.
Molecular consequence: missense variant. On other transcripts: non-coding transcript variant (2).
Genome position (GRCh38, 1-based): chr15:51,458,521, T>A on the plus strand (A>T on the coding strand, the complement: DMXL2 is on the minus strand). VCF-style: chr15-51458521-T-A. GRCh37 (hg19) VCF-style: chr15-51750718-T-A.
Other names: c.8120A>T, p.Asp2707Val (NM_001174116.3); c.6209A>T, p.Asp2070Val (NM_001174117.3); c.8180A>T, p.Asp2727Val (NM_001378458.1); c.7895A>T, p.Asp2632Val (NM_001378459.1); c.6098A>T, p.Asp2033Val (NM_001378460.1); c.8117A>T, p.Asp2706Val (NM_015263.5); short protein forms D2632V, D2727V, D2070V, D2707V, D2728V, D2033V, D2706V.
Identifiers: ClinVar variation 1993740 (VCV001993740.4), dbSNP rs2543003915, ClinGen allele CA392436667.

ClinVar aggregate classification (germline): Uncertain significance (1 of 4 stars; one submission).

Submission:

Labcorp Genetics (formerly Invitae), Labcorp
Classification: Uncertain significance. Last evaluated: 2022-06-02. Review status: criteria provided, single submitter. Criteria: Invitae Variant Classification Sherloc (09022015). Collection method: clinical testing. Allele origin: germline.
Comment: This variant is not present in population databases (gnomAD no frequency). In summary, the available evidence is currently insufficient to determine the role of this variant in disease. Therefore, it has been classified as a Variant of Uncertain Significance. Algorithms developed to predict the effect of missense changes on protein structure and function are either unavailable or do not agree on the potential impact of this missense change (SIFT: "Deleterious"; PolyPhen-2: "Probably Damaging"; Align-GVGD: "Class C15"). This variant has not been reported in the literature in individuals affected with DMXL2-related conditions. This sequence change replaces aspartic acid, which is acidic and polar, with valine, which is neutral and non-polar, at codon 2707 of the DMXL2 protein (p.Asp2707Val).